The following is an entry in ClinVar:

ClinVar aggregate classification (germline): Uncertain significance (1 of 4 stars; one submission).

Conditions:
EGFR-related lung cancer (EGFR). Identifiers: MedGen CN130014.

Allele frequency attached by ClinVar (database versions not stated): gnomAD exomes below 0.00001.
gnomAD v4.1: 5 of 1,614,192 alleles (0.00031%); highest among the groups gnomAD compares: Admixed American, 0.0033%; no homozygotes.

Submission:

Labcorp Genetics (formerly Invitae), Labcorp
Classification: Uncertain significance for EGFR-related lung cancer. Last evaluated: 2024-11-12. Review status: criteria provided, single submitter. Criteria: Invitae Variant Classification Sherloc (09022015). Collection method: clinical testing. Allele origin: germline.
Comment: This sequence change replaces glutamic acid, which is acidic and polar, with lysine, which is basic and polar, at codon 142 of the EGFR protein (p.Glu142Lys). This variant also falls at the last nucleotide of exon 3, which is part of the consensus splice site for this exon. This variant is not present in population databases (gnomAD no frequency). This variant has not been reported in the literature in individuals affected with EGFR-related conditions. ClinVar contains an entry for this variant (Variation ID: 1476946). An algorithm developed to predict the effect of missense changes on protein structure and function (PolyPhen-2) suggests that this variant is likely to be disruptive. Variants that disrupt the consensus splice site are a relatively common cause of aberrant splicing (PMID: 17576681, 9536098). Algorithms developed to predict the effect of sequence changes on RNA splicing suggest that this variant may disrupt the consensus splice site. In summary, the available evidence is currently insufficient to determine the role of this variant in disease. Therefore, it has been classified as a Variant of Uncertain Significance.

Literature cited by the submitters: PubMed 17576681; PubMed 9536098.

NM_005228.5(EGFR):c.424G>A (p.Glu142Lys)

Gene: EGFR (epidermal growth factor receptor; plus strand). Cytogenetic location: 7p11.2.
Variant type: single nucleotide variant.
Coding change: c.424G>A on transcript NM_005228.5 (MANE Select); coding-DNA position 424, G replaced by A.
Protein change: p.Glu142Lys; replaces glutamic acid 142 with lysine.
Molecular consequence: missense variant. On other transcripts: intron variant (1).
Genome position (GRCh38, 1-based): chr7:55,143,488, G>A. VCF-style: chr7-55143488-G-A. GRCh37 (hg19) VCF-style: chr7-55211181-G-A.
Other names: c.424G>A, p.Gly142Ser (NM_001346897.2, NM_001346899.2); c.424G>A, p.Glu142Lys (NM_001346898.2, NM_201282.2, NM_201283.2 and 1 more transcripts); c.265G>A, p.Glu89Lys (NM_001346900.2); c.89-12342G>A (NM_001346941.2); short protein forms E142K, E89K, G142S.
Identifiers: ClinVar variation 1476946 (VCV001476946.6), dbSNP rs2128927602, ClinGen allele CA367576058.
Genomic context (GRCh38, chr7:55,143,488, plus strand): 5'-TTATCTAACTATGATGCAAATAAAACCGGACTGAAGGAGCTGCCCATGAGAAATTTACAG[G>A]GTGAGAGGCTGGGATGCCAAGGCTGGGGGTTCATAAATGCAGACAGCAGTTCCGATGGCT-3'
Protein context (NP_005219.2, residues 132-152): LKELPMRNLQ[Glu142Lys]ILHGAVRFSN